The following is an entry in ClinVar:

ClinVar aggregate classification (germline): Likely benign. Review status: criteria provided, multiple submitters, no conflicts (2 of 4 stars). 4 submissions from 4 submitters: Likely benign (2). 2 of the submissions do not count toward it. Last evaluated 2026-01-28.

Conditions:
TYMP-related disorder. Also called: TYMP-related condition.
Mitochondrial neurogastrointestinal encephalomyopathy. Also called: Mitochondrial neurogastrointestinal encephalopathy syndrome; MNGIE syndrome; Thymidine phosphorylase deficiency. Identifiers: Orphanet 298, MedGen C0872218, MONDO:0017575.

Allele frequency attached by ClinVar (database versions not stated): gnomAD 0.00005; TOPMed 0.00006; ESP Exome Variant Server 0.00008; gnomAD exomes 0.00009; ExAC 0.00017.

Submissions (4):

Labcorp Genetics (formerly Invitae), Labcorp
Classification: Likely benign. Last evaluated: 2026-01-28. Review status: criteria provided, single submitter. Criteria: Invitae Variant Classification Sherloc (09022015). Collection method: clinical testing. Allele origin: germline.

GeneDx
Classification: Likely benign. Last evaluated: 2020-05-11. Review status: criteria provided, single submitter. Criteria: GeneDx Variant Classification Process June 2021. Collection method: clinical testing. Allele origin: germline. Affected: yes.

Natera, Inc.
Classification: Likely benign for Mitochondrial neurogastrointestinal encephalomyopathy. Last evaluated: 2020-04-03. Review status: no assertion criteria provided. Collection method: clinical testing. Allele origin: germline. Not counted in ClinVar's aggregate classification.

PreventionGenetics, part of Exact Sciences
Classification: Likely benign for TYMP-related condition. Last evaluated: 2019-06-06. Review status: no assertion criteria provided. Collection method: clinical testing. Allele origin: germline. Not counted in ClinVar's aggregate classification.
Comment: This variant is classified as likely benign based on ACMG/AMP sequence variant interpretation guidelines (Richards et al. 2015 PMID: 25741868, with internal and published modifications).

NM_001953.5(TYMP):c.495T>C (p.Asn165=)

Gene: TYMP (thymidine phosphorylase; minus strand). Cytogenetic location: 22q13.33.
Variant type: single nucleotide variant.
Coding change: c.495T>C on transcript NM_001953.5 (MANE Select); coding-DNA position 495, T replaced by C.
Protein change: p.Asn165=; no amino-acid change (asparagine 165 retained).
Molecular consequence: synonymous variant.
Genome position (GRCh38, 1-based): chr22:50,528,533, A>G on the plus strand (T>C on the coding strand, the complement: TYMP is on the minus strand). VCF-style: chr22-50528533-A-G. GRCh37 (hg19) VCF-style: chr22-50966962-A-G.
Other names: c.495T>C, p.Asn165= (NM_001113755.3, NM_001113756.3, NM_001257988.1 and 1 more transcripts).
Identifiers: ClinVar variation 798417 (VCV000798417.17), dbSNP rs372889443, ClinGen allele CA10321747.
Genomic context (GRCh38, chr22:50,528,533, plus strand): 5'-ATCAACCTGGATTAATGACTGATCCGTGGCGCCCCGTACCTGCTCTGGGCTCTGGATGAC[A>G]TTGAATCCAGGAATAGACTCCAGCTTATCCAAGGTGCCTCCTGTGTGCCCCAGACCACGT-3'
Protein context (NP_001944.1, residues 155-175): LDKLESIPGF[Asn165=]VIQSPEQMQV